The following is an entry in ClinVar:

ClinVar aggregate classification (germline): Uncertain significance (1 of 4 stars; one submission).

Conditions:
Developmental and epileptic encephalopathy, 36 (DEE36). Also called: ALG13-CDG; Congenital disorder of glycosylation, type Is; Epileptic encephalopathy, early infantile, 36. Identifiers: Orphanet 324422, MedGen C4317295, MONDO:0010472, OMIM 300884.

Submission:

Labcorp Genetics (formerly Invitae), Labcorp
Classification: Uncertain significance for Developmental and epileptic encephalopathy, 36. Last evaluated: 2024-08-12. Review status: criteria provided, single submitter. Criteria: Invitae Variant Classification Sherloc (09022015). Collection method: clinical testing. Allele origin: germline.
Comment: This variant, c.2798_2799insACCACCACCACCACCACCTCC, results in the insertion of 7 amino acid(s) of the ALG13 protein (p.Pro939_Pro945dup), but otherwise preserves the integrity of the reading frame. This variant is not present in population databases (gnomAD no frequency). This variant has not been reported in the literature in individuals affected with ALG13-related conditions. Experimental studies and prediction algorithms are not available or were not evaluated, and the functional significance of this variant is currently unknown. In summary, the available evidence is currently insufficient to determine the role of this variant in disease. Therefore, it has been classified as a Variant of Uncertain Significance.

NM_001099922.3(ALG13):c.2798_2799insACCACCACCACCACCACCTCC (p.Pro945_Ala946insProProProProProProPro)

Gene: ALG13 (ALG13 UDP-N-acetylglucosaminyltransferase subunit; plus strand). Cytogenetic location: Xq23.
Variant type: Microsatellite.
Coding change: c.2798_2799insACCACCACCACCACCACCTCC on transcript NM_001099922.3 (MANE Select); coding-DNA positions 2798 to 2799, ACCACCACCACCACCACCTCC inserted.
Protein change: p.Pro945_Ala946insProProProProProProPro.
Molecular consequence: inframe insertion. On other transcripts: intron variant (5).
Genome position: GRCh38 VCF-style: chrX-111744768-A-ACCACCACCACCACCACCACCT. GRCh37 (hg19) VCF-style: chrX-110987996-A-ACCACCACCACCACCACCACCT.
Other names: c.2564_2565insACCACCACCACCACCACCTCC, p.Pro867_Ala868insProProProProProProPro (NM_001257231.2); c.2383+7891_2383+7892insACCACCACCACCACCACCTCC (NM_001257237.2, NM_001257234.2, NM_001257230.2); c.2209+7891_2209+7892insACCACCACCACCACCACCTCC (NM_001324293.1); c.2695+7891_2695+7892insACCACCACCACCACCACCTCC (NM_001324292.2).
Identifiers: ClinVar variation 2066316 (VCV002066316.4), dbSNP rs1569522034.
Genomic context (GRCh38, chrX:111,744,768, plus strand): 5'-TCATGCTGGTGCCTCTCTACCACCACCACCACCACCACCACCACCACCACCACCACCACC[A>ACCACCACCACCACCACCACCT]CCTCCTCCTCCTCCTCCTCCTCCTCCTCCTCCTCCTCCTGCTCTTGATGTGGGAGAGACT-3'